The following is an entry in ClinVar:

NM_004415.4(DSP):c.870G>T (p.Glu290Asp)

Gene: DSP (desmoplakin; plus strand). Cytogenetic location: 6p24.3.
Variant type: single nucleotide variant.
Coding change: c.870G>T on transcript NM_004415.4 (MANE Select); coding-DNA position 870, G replaced by T.
Protein change: p.Glu290Asp; replaces glutamic acid 290 with aspartic acid.
Molecular consequence: missense variant.
Genome position (GRCh38, 1-based): chr6:7,565,451, G>T. VCF-style: chr6-7565451-G-T. GRCh37 (hg19) VCF-style: chr6-7565684-G-T.
Other names: c.870G>T, p.Glu290Asp (NM_001008844.3, NM_001319034.2, NM_001406591.1); short protein forms E290D.
Identifiers: ClinVar variation 3339438 (VCV003339438.2).

ClinVar aggregate classification (germline): Uncertain significance. Review status: criteria provided, multiple submitters, no conflicts (2 of 4 stars). 2 submissions from 2 submitters: Uncertain significance (2). Last evaluated 2025-09-10.

Conditions:
Arrhythmogenic right ventricular dysplasia 8 (ARVD8). Also called: Arrhythmogenic Right Ventricular Dysplasia/Cardiomyopathy 8; ARRHYTHMOGENIC RIGHT VENTRICULAR DYSPLASIA, FAMILIAL, 8; ARRHYTHMOGENIC RIGHT VENTRICULAR CARDIOMYOPATHY 8. Identifiers: MedGen C1843896, MONDO:0011831, OMIM 607450.
Arrhythmogenic cardiomyopathy with wooly hair and keratoderma. Also called: Carvajal syndrome; Dilated cardiomyopathy with woolly hair and keratoderma; Arrhythmogenic cardiomyopathy with woolly hair and keratoderma; PALMOPLANTAR KERATODERMA WITH LEFT VENTRICULAR CARDIOMYOPATHY AND WOOLLY HAIR. Identifiers: Orphanet 65282, MedGen C1854063, MONDO:0011581, OMIM 605676.

Submissions (2):

Labcorp Genetics (formerly Invitae), Labcorp
Classification: Uncertain significance for Arrhythmogenic cardiomyopathy with wooly hair and keratoderma; Arrhythmogenic right ventricular dysplasia 8. Last evaluated: 2025-09-10. Review status: criteria provided, single submitter. Criteria: Invitae Variant Classification Sherloc (09022015). Collection method: clinical testing. Allele origin: germline.
Comment: This sequence change replaces glutamic acid, which is acidic and polar, with aspartic acid, which is acidic and polar, at codon 290 of the DSP protein (p.Glu290Asp). This variant is not present in population databases (gnomAD no frequency). This variant has not been reported in the literature in individuals affected with DSP-related conditions. ClinVar contains an entry for this variant (Variation ID: 3339438). An algorithm developed to predict the effect of missense changes on protein structure and function (PolyPhen-2) suggests that this variant is likely to be disruptive. In summary, the available evidence is currently insufficient to determine the role of this variant in disease. Therefore, it has been classified as a Variant of Uncertain Significance.

Women's Health and Genetics/Laboratory Corporation of America, LabCorp
Classification: Uncertain significance. Last evaluated: 2024-07-21. Review status: criteria provided, single submitter. Criteria: LabCorp Variant Classification Summary - May 2015. Collection method: clinical testing. Allele origin: germline.